The following is an entry in ClinVar:

ClinVar aggregate classification (germline): Uncertain significance (1 of 4 stars; one submission).

gnomAD v4.1: 1 of 1,613,960 alleles (0.000062%); highest among the groups gnomAD compares: African/African-American, 0.0013%; no homozygotes.

Submission:

Ambry Genetics
Classification: Uncertain significance. Last evaluated: 2025-04-04. Review status: criteria provided, single submitter. Criteria: Ambry Variant Classification Scheme 2023. Collection method: clinical testing. Allele origin: germline.
Comment: The p.P1674L variant (also known as c.5021C>T), located in coding exon 21 of the WNK2 gene, results from a C to T substitution at nucleotide position 5021. The proline at codon 1674 is replaced by leucine, an amino acid with similar properties. This amino acid position is conserved. In addition, this alteration is predicted to be tolerated by in silico analysis. Based on the available evidence, the clinical significance of this variant remains unclear.

NM_006648.4(WNK2):c.5021C>T (p.Pro1674Leu)

Gene: WNK2 (WNK lysine deficient protein kinase 2; plus strand). Cytogenetic location: 9q22.31.
Variant type: single nucleotide variant.
Coding change: c.5021C>T on transcript NM_006648.4 (MANE Select); coding-DNA position 5021, C replaced by T.
Protein change: p.Pro1674Leu; replaces proline 1674 with leucine.
Molecular consequence: missense variant.
Genome position (GRCh38, 1-based): chr9:93,292,392, C>T. VCF-style: chr9-93292392-C-T. GRCh37 (hg19) VCF-style: chr9-96054674-C-T.
Other names: c.5132C>T, p.Pro1711Leu (NM_001282394.3); short protein forms P1711L, P1674L.
Identifiers: ClinVar variation 3981799 (VCV003981799.1).
Genomic context (GRCh38, chr9:93,292,392, plus strand): 5'-TAGGCTATGACAGAGATGGAAGGCAGGTGGCCTCAGACTCCCATGTGGTCCCCAGCGTCC[C>T]CCAGGTAAGGGCGACTTGACGACCCCCTGGCTGGTTGGCAGGGTTTGCTCTGTGCTGATG-3'
Protein context (NP_006639.3, residues 1664-1684): ASDSHVVPSV[Pro1674Leu]QDVPAFVRPA